The following is an entry in ClinVar:

NM_007294.4(BRCA1):c.185C>G (p.Pro62Arg)

Gene: BRCA1 (BRCA1 DNA repair associated; minus strand). Cytogenetic location: 17q21.31.
Variant type: single nucleotide variant.
Coding change: c.185C>G on transcript NM_007294.4 (MANE Select); coding-DNA position 185, C replaced by G.
Protein change: p.Pro62Arg; replaces proline 62 with arginine.
Molecular consequence: missense variant. On other transcripts: non-coding transcript variant (1).
Genome position (GRCh38, 1-based): chr17:43,106,483, G>C on the plus strand (C>G on the coding strand, the complement: BRCA1 is on the minus strand). VCF-style: chr17-43106483-G-C. GRCh37 (hg19) VCF-style: chr17-41258500-G-C.
Other names: c.185C>G (NM_007300.3); c.-4C>G (NM_001407853.1, NM_001407879.1, NM_001407881.1 and 58 more transcripts); c.185C>G, p.Pro62Arg (NM_001407854.1, NM_001407858.1, NM_001407859.1 and 168 more transcripts); c.44C>G, p.Pro15Arg (NM_001407926.1, NM_001407927.1, NM_001407928.1 and 99 more transcripts); short protein forms P62R, P15R.
Identifiers: ClinVar variation 185578 (VCV000185578.9), dbSNP rs786202286, ClinGen allele CA001207.

ClinVar aggregate classification (germline): Uncertain significance. Review status: criteria provided, multiple submitters, no conflicts (2 of 4 stars). 2 submissions from 2 submitters: Uncertain significance (2). Last evaluated 2023-10-24.

Conditions:
Hereditary cancer-predisposing syndrome. Also called: Hereditary Cancer Syndrome; Hereditary neoplastic syndrome; Tumor predisposition; Neoplastic Syndromes, Hereditary. Identifiers: Orphanet 140162, MedGen C0027672, MeSH D009386, MONDO:0015356.
Breast-ovarian cancer, familial, susceptibility to, 1 (BROVCA1). Also called: OVARIAN CANCER, SUSCEPTIBILITY TO; BRCA1 Hereditary Breast and Ovarian Cancer. Identifiers: Orphanet 145, MedGen C2676676, MONDO:0011450, OMIM 604370. Disease mechanism: loss of function.

Submissions (3):

KCCC/NGS Laboratory, Kuwait Cancer Control Center
Classification: Uncertain significance for Breast-ovarian cancer, familial, susceptibility to, 1. Last evaluated: 2023-10-24. Review status: criteria provided, single submitter. Criteria: ACMG Guidelines, 2015. Collection method: clinical testing. Allele origin: germline. Inheritance: Autosomal dominant inheritance. Affected: yes. Observed: 1 heterozygote.
Comment: This variant is classified as of uncertain significance.

Ambry Genetics
Classification: Uncertain significance for Hereditary cancer-predisposing syndrome. Last evaluated: 2014-06-30. Review status: criteria provided, single submitter. Criteria: Ambry Variant Classification Scheme 2023. Collection method: clinical testing. Allele origin: germline.
Comment: The p.P62R variant (also known as c.185C>G), located in coding exon 3 of the BRCA1 gene, results from a C to G substitution at nucleotide position 185. The proline at codon 62 is replaced by arginine, an amino acid with dissimilar properties. This variant was not reported in population based cohorts in the following databases: Database of Single Nucleotide Polymorphisms (dbSNP), NHLBI Exome Sequencing Project (ESP), and 1000 Genomes Project. In the ESP, this variant was not observed in 6497 samples (12994 alleles) with coverage at this position. To date, this alteration has been detected with an allele frequency of approximately 0.002% (greater than 42000 alleles tested) in our clinical cohort (includes this individual). This amino acid position is highly conserved in available vertebrate species. In addition, this alteration is predicted to be probably damaging and deleterious by PolyPhen and SIFT in silico analyses, respectively. Since supporting evidence is limited at this time, the clinical significance of p.P62R remains unclear.

Brotman Baty Institute, University of Washington
No classification provided (evidence only). Condition: Breast-ovarian cancer, familial 1. Review status: no classification provided. Collection method: in vitro. Allele origin: not applicable. Functional consequence: functionally_normal. Not counted in ClinVar's aggregate classification.
ClinVar note: "not provided" was previously submitted as the classification for the variant. However, the classification appeared to be based only on an observation of functional data so it was converted to no classification on 2025-07-30.